The following is an entry in ClinVar:

NM_000179.3(MSH6):c.1975C>G (p.Leu659Val)

Gene: MSH6 (mutS homolog 6; plus strand). Cytogenetic location: 2p16.3.
Variant type: single nucleotide variant.
Coding change: c.1975C>G on transcript NM_000179.3 (MANE Select); coding-DNA position 1975, C replaced by G.
Protein change: p.Leu659Val; replaces leucine 659 with valine.
Molecular consequence: missense variant.
Genome position (GRCh38, 1-based): chr2:47,799,958, C>G. VCF-style: chr2-47799958-C-G. GRCh37 (hg19) VCF-style: chr2-48027097-C-G.
Other names: c.1585C>G, p.Leu529Val (NM_001281492.2); c.1069C>G, p.Leu357Val (NM_001281493.2, NM_001281494.2); short protein forms L529V, L357V, L659V.
Identifiers: ClinVar variation 924411 (VCV000924411.6), dbSNP rs1669402625, ClinGen allele CA346750613.

ClinVar aggregate classification (germline): Uncertain significance. Review status: criteria provided, multiple submitters, no conflicts (2 of 4 stars). 2 submissions from 2 submitters: Uncertain significance (2). Last evaluated 2024-03-06.

Conditions:
Hereditary cancer-predisposing syndrome. Also called: Neoplastic Syndromes, Hereditary; Tumor predisposition; Hereditary Cancer Syndrome; Hereditary neoplastic syndrome. Identifiers: Orphanet 140162, MedGen C0027672, MeSH D009386, MONDO:0015356.

Submissions (2):

Color Diagnostics, LLC DBA Color Health
Classification: Uncertain significance for Hereditary cancer-predisposing syndrome. Last evaluated: 2024-03-06. Review status: criteria provided, single submitter. Criteria: ACMG Guidelines, 2015. Collection method: clinical testing. Allele origin: germline.
Comment: This missense variant replaces leucine with valine at codon 659 of the MSH6 protein. Computational prediction is inconclusive regarding the impact of this variant on protein structure and function (internally defined REVEL score threshold 0.5 < inconclusive < 0.7, PMID: 27666373). Splice site prediction tools suggest that this variant may not impact RNA splicing. To our knowledge, functional studies have not been performed for this variant. This variant has not been reported in individuals affected with hereditary cancer in the literature. This variant has not been identified in the general population by the Genome Aggregation Database (gnomAD). The available evidence is insufficient to determine the role of this variant in disease conclusively. Therefore, this variant is classified as a Variant of Uncertain Significance.

Ambry Genetics
Classification: Uncertain significance for Hereditary cancer-predisposing syndrome. Last evaluated: 2020-09-08. Review status: criteria provided, single submitter. Criteria: Ambry Variant Classification Scheme 2023. Collection method: clinical testing. Allele origin: germline.
Comment: The p.L659V variant (also known as c.1975C>G), located in coding exon 4 of the MSH6 gene, results from a C to G substitution at nucleotide position 1975. The leucine at codon 659 is replaced by valine, an amino acid with highly similar properties. This amino acid position is well conserved in available vertebrate species. In addition, the in silico prediction for this alteration is inconclusive. Since supporting evidence is limited at this time, the clinical significance of this alteration remains unclear.